The following is an entry in ClinVar:

ClinVar aggregate classification (germline): Pathogenic (1 of 4 stars; one submission).

Conditions:
Inborn genetic diseases. Identifiers: MedGen C0950123, MeSH D030342.

Submission:

Ambry Genetics
Classification: Pathogenic for Inborn genetic diseases. Last evaluated: 2026-07-31. Review status: criteria provided, single submitter. Criteria: Ambry Variant Classification Scheme 2023. Collection method: clinical testing. Allele origin: germline.
Comment: The c.1118_1127del10 pathogenic mutation, located in coding exon 11 of the DDX41 gene, results from a deletion of 10 nucleotides at nucleotide positions 1118 to 1127, causing a translational frameshift with a predicted alternate stop codon (p.L373Pfs*16). This variant is considered to be rare based on population cohorts in the Genome Aggregation Database (gnomAD). This variant is expected to result in loss of function by premature protein truncation or nonsense-mediated mRNA decay. As such, this variant is interpreted as a disease-causing mutation.

NM_016222.4(DDX41):c.1118_1127del (p.Leu373fs)

Gene: DDX41 (DEAD-box helicase 41; minus strand). Cytogenetic location: 5q35.3.
Variant type: Deletion.
Coding change: c.1118_1127del on transcript NM_016222.4 (MANE Select); coding-DNA positions 1118 to 1127, 10 bases deleted (TCTTCAGTGC; older notation c.1118_1127delTCTTCAGTGC).
Protein change: p.Leu373fs; shifts the reading frame from leucine 373.
Molecular consequence: frameshift variant.
Genome position (GRCh38, 1-based): chr5:177,513,456-177,513,465, GCACTGAAGA deleted on the plus strand (TCTTCAGTGC on the coding strand, the reverse complement: DDX41 is on the minus strand); deleting any 10 consecutive bases within chr5:177,513,456-177,513,468 gives the same sequence; the c. name uses the placement nearest the transcript's 3' end. VCF-style (leftmost placement, unchanged base first): chr5-177513455-GGCACTGAAGA-G. GRCh37 (hg19) VCF-style: chr5-176940456-GGCACTGAAGA-G.
Other names: c.740_749del, p.Leu247fs (NM_001321732.2, NM_001321830.2); short protein forms L247fs, L373fs.
Identifiers: ClinVar variation 5035154 (VCV005035154.1).